The following is an entry in ClinVar:

ClinVar aggregate classification (germline): Uncertain significance (1 of 4 stars; one submission).

gnomAD v4.1: 13 of 1,611,526 alleles (0.00081%); highest among the groups gnomAD compares: East Asian, 0.0022%; no homozygotes.

Submission:

Labcorp Genetics (formerly Invitae), Labcorp
Classification: Uncertain significance. Last evaluated: 2024-04-29. Review status: criteria provided, single submitter. Criteria: Invitae Variant Classification Sherloc (09022015). Collection method: clinical testing. Allele origin: germline.
Comment: This sequence change replaces leucine, which is neutral and non-polar, with methionine, which is neutral and non-polar, at codon 150 of the PIGB protein (p.Leu150Met). This variant is present in population databases (no rsID available, gnomAD 0.007%). This variant has not been reported in the literature in individuals affected with PIGB-related conditions. ClinVar contains an entry for this variant (Variation ID: 1974413). Advanced modeling of protein sequence and biophysical properties (such as structural, functional, and spatial information, amino acid conservation, physicochemical variation, residue mobility, and thermodynamic stability) has been performed at Invitae for this missense variant, however the output from this modeling did not meet the statistical confidence thresholds required to predict the impact of this variant on PIGB protein function. In summary, the available evidence is currently insufficient to determine the role of this variant in disease. Therefore, it has been classified as a Variant of Uncertain Significance.

NM_004855.5(PIGB):c.448C>A (p.Leu150Met)

Gene: PIGB (phosphatidylinositol glycan anchor biosynthesis class B; plus strand). Cytogenetic location: 15q21.3.
Variant type: single nucleotide variant.
Coding change: c.448C>A on transcript NM_004855.5 (MANE Select); coding-DNA position 448, C replaced by A.
Protein change: p.Leu150Met; replaces leucine 150 with methionine.
Molecular consequence: missense variant.
Genome position (GRCh38, 1-based): chr15:55,327,561, C>A. VCF-style: chr15-55327561-C-A. GRCh37 (hg19) VCF-style: chr15-55619759-C-A.
Other names: short protein forms L150M.
Identifiers: ClinVar variation 1974413 (VCV001974413.5), dbSNP rs1206266580, ClinGen allele CA392541825.
Genomic context (GRCh38, chr15:55,327,561, plus strand): 5'-ACATCCTGTTCTTCTTTTTAACTGATGAAGATTTGGATTCCTAGACTTGCCCAAGCACTT[C>A]TGTCTGCTGTAGCAGATGTGAGACTTTACTCATTAATGAAGCAACTAGAAAATCAGGAAG-3'
Protein context (NP_004846.4, residues 140-160): IWIPRLAQAL[Leu150Met]SAVADVRLYS